The following is an entry in ClinVar:

NM_006015.6(ARID1A):c.4807A>G (p.Lys1603Glu)

Gene: ARID1A (AT-rich interaction domain 1A; plus strand). Cytogenetic location: 1p36.11.
Variant type: single nucleotide variant.
Coding change: c.4807A>G on transcript NM_006015.6 (MANE Select); coding-DNA position 4807, A replaced by G.
Protein change: p.Lys1603Glu; replaces lysine 1603 with glutamic acid.
Molecular consequence: missense variant.
Genome position (GRCh38, 1-based): chr1:26,775,034, A>G. VCF-style: chr1-26775034-A-G. GRCh37 (hg19) VCF-style: chr1-27101525-A-G.
Other names: c.4156A>G, p.Lys1386Glu (NM_139135.4); short protein forms K1386E, K1603E.
Identifiers: ClinVar variation 1800880 (VCV001800880.1), dbSNP rs2124122625, ClinGen allele CA339178640.
Genomic context (GRCh38, chr1:26,775,034, plus strand): 5'-CCTCAGGTATCCAGCCCTGCTCCCCTGCCCCGGCCAATGGAGAACCGCACCTCTCCTAGC[A>G]AGTCTCCATTCCTGCACTCTGGGATGAAAATGCAGAAGGCAGGTCCCCCAGTACCTGCCT-3'
Protein context (NP_006006.3, residues 1593-1613): RPMENRTSPS[Lys1603Glu]SPFLHSGMKM

ClinVar aggregate classification (germline): Uncertain significance (1 of 4 stars; one submission).

Submission:

GeneDx
Classification: Uncertain significance. Last evaluated: 2022-11-16. Review status: criteria provided, single submitter. Criteria: GeneDx Variant Classification Process June 2021. Collection method: clinical testing. Allele origin: germline. Affected: yes.
Comment: Not observed at significant frequency in large population cohorts (gnomAD); In silico analysis supports that this missense variant has a deleterious effect on protein structure/function; Has not been previously published as pathogenic or benign to our knowledge